The following is an entry in ClinVar:

NM_006648.4(WNK2):c.4633G>T (p.Val1545Leu)

Gene: WNK2 (WNK lysine deficient protein kinase 2; plus strand). Cytogenetic location: 9q22.31.
Variant type: single nucleotide variant.
Coding change: c.4633G>T on transcript NM_006648.4 (MANE Select); coding-DNA position 4633, G replaced by T.
Protein change: p.Val1545Leu; replaces valine 1545 with leucine.
Molecular consequence: missense variant.
Genome position (GRCh38, 1-based): chr9:93,289,387, G>T. VCF-style: chr9-93289387-G-T. GRCh37 (hg19) VCF-style: chr9-96051669-G-T.
Other names: c.4744G>T, p.Val1582Leu (NM_001282394.3); short protein forms V1545L, V1582L.
Identifiers: ClinVar variation 4866712 (VCV004866712.1).

ClinVar aggregate classification (germline): Uncertain significance (1 of 4 stars; one submission).

Submission:

Ambry Genetics
Classification: Uncertain significance. Last evaluated: 2026-05-28. Review status: criteria provided, single submitter. Criteria: Ambry Variant Classification Scheme 2023. Collection method: clinical testing. Allele origin: germline.
Comment: The p.V1545L variant (also known as c.4633G>T), located in coding exon 19 of the WNK2 gene, results from a G to T substitution at nucleotide position 4633. The valine at codon 1545 is replaced by leucine, an amino acid with highly similar properties. This amino acid position is conserved. In addition, this alteration is predicted to be tolerated by in silico analysis. Based on the available evidence, the clinical significance of this variant remains unclear.